The following is an entry in ClinVar:

NM_014317.5(PDSS1):c.1241dup (p.Asp414fs)

Gene: PDSS1 (decaprenyl diphosphate synthase subunit 1; plus strand). Cytogenetic location: 10p12.1.
Variant type: Duplication.
Coding change: c.1241dup on transcript NM_014317.5 (MANE Select); coding-DNA position 1241, one base duplicated (A; older notation c.1241dupA).
Protein change: p.Asp414fs; shifts the reading frame from aspartic acid 414.
Molecular consequence: frameshift variant. On other transcripts: 3 prime UTR variant (1).
Genome position (GRCh38, 1-based): chr10:26,746,466, A duplicated. VCF-style (leftmost placement, unchanged base first): chr10-26746465-G-GA. GRCh37 (hg19) VCF-style: chr10-27035394-G-GA.
Other names: c.*129dup (NM_001321978.2); c.731dup, p.Asp244fs (NM_001321979.2); short protein forms D244fs, D414fs.
Identifiers: ClinVar variation 3907968 (VCV003907968.1).

ClinVar aggregate classification (germline): Uncertain significance (1 of 4 stars; one submission).

Submission:

GeneDx
Classification: Uncertain significance. Last evaluated: 2024-12-31. Review status: criteria provided, single submitter. Criteria: GeneDx Variant Classification Process June 2021. Collection method: clinical testing. Allele origin: germline. Affected: yes.
Comment: Not observed at significant frequency in large population cohorts (gnomAD); Has not been previously published as pathogenic or benign to our knowledge; Frameshift variant predicted to result in abnormal protein length as the last 2 amino acid(s) are replaced with 1 different amino acid(s) with an unclear effect on protein function